The following is an entry in ClinVar:

ClinVar aggregate classification (germline): Pathogenic, low penetrance (1 of 4 stars; one submission).

Conditions:
Atypical hemolytic-uremic syndrome. Identifiers: Orphanet 2134, MedGen C2931788, MONDO:0016244.

Submission:

Genomenon, Inc
Classification: Pathogenic, low penetrance for Atypical hemolytic-uremic syndrome. Last evaluated: 2025-10-02. Review status: criteria provided, single submitter. Criteria: Genomenon Sequence Variant Interpretation Standards - Updated. Collection method: curation. Allele origin: germline. Affected: yes.
Comment: CFH p.Ser722Ter (c.2165C>A) is a nonsense variant that introduces a premature stop codon at amino acid position 722, creating a truncated protein that is predicted to undergo nonsense-mediated mRNA decay. This variant has been observed in at least one proband affected with atypical hemolytic-uremic syndrome (PMID:25496981). It is absent or not present at a significant frequency in gnomAD. In conclusion, we classify CFH p.Ser722Ter (c.2165C>A) as a pathogenic, low penetrance variant.

Literature cited by the submitters: PubMed 25496981.

NM_000186.4(CFH):c.2165C>A (p.Ser722Ter)

Gene: CFH (complement factor H; plus strand). Cytogenetic location: 1q31.3.
Variant type: single nucleotide variant.
Coding change: c.2165C>A on transcript NM_000186.4 (MANE Select); coding-DNA position 2165, C replaced by A.
Protein change: p.Ser722Ter; replaces serine 722 with a stop codon.
Molecular consequence: nonsense.
Genome position (GRCh38, 1-based): chr1:196,726,869, C>A. VCF-style: chr1-196726869-C-A. GRCh37 (hg19) VCF-style: chr1-196695999-C-A.
Other names: short protein forms S722*.
Identifiers: ClinVar variation 4291451 (VCV004291451.1).